The following is an entry in ClinVar:

NM_001330677.2(TBX15):c.1025-3C>T

Gene: TBX15 (T-box transcription factor 15; minus strand). Cytogenetic location: 1p12.
Variant type: single nucleotide variant.
Coding change: c.1025-3C>T on transcript NM_001330677.2 (MANE Select); 3 bases into the intron before coding-DNA position 1025, C replaced by T.
Molecular consequence: intron variant.
Genome position (GRCh38, 1-based): chr1:118,885,519, G>A on the plus strand (C>T on the coding strand, the complement: TBX15 is on the minus strand). VCF-style: chr1-118885519-G-A. GRCh37 (hg19) VCF-style: chr1-119428142-G-A.
Other names: NC_000001.10:g.119428142G>A; c.707-3C>T (NM_152380.3).
Identifiers: ClinVar variation 4484013 (VCV004484013.2).

ClinVar aggregate classification (germline): Uncertain significance (1 of 4 stars; one submission).

gnomAD v4.1: 3 of 1,575,108 alleles (0.00019%); highest among the groups gnomAD compares: Non-Finnish European, 0.00026%; no homozygotes.

Submissions (2):

Labcorp Genetics (formerly Invitae), Labcorp
Classification: Uncertain significance. Last evaluated: 2025-10-14. Review status: criteria provided, single submitter. Criteria: Invitae Variant Classification Sherloc (09022015). Collection method: clinical testing. Allele origin: germline.
Comment: This sequence change falls in intron 7 of the TBX15 gene. It does not directly change the encoded amino acid sequence of the TBX15 protein. It affects a nucleotide within the consensus splice site. The frequency data for this variant in the population databases is considered unreliable, as metrics indicate poor data quality at this position in the gnomAD database. This variant has not been reported in the literature in individuals affected with TBX15-related conditions. Variants that disrupt the consensus splice site are a relatively common cause of aberrant splicing (PMID: 17576681, 9536098). Algorithms developed to predict the effect of sequence changes on RNA splicing suggest that this variant is not likely to affect RNA splicing. In summary, the available evidence is currently insufficient to determine the role of this variant in disease. Therefore, it has been classified as a Variant of Uncertain Significance.

Dr. Peter K. Rogan Lab, Western University
No classification provided (evidence only). Condition: Clear cell carcinoma of kidney. Review status: no classification provided. Collection method: in vitro. Allele origin: not applicable. Functional consequence: retained intron. Not counted in ClinVar's aggregate classification.

Literature cited by the submitters: PubMed 17576681 (cited by Labcorp Genetics (formerly Invitae), Labcorp); PubMed 9536098 (cited by Labcorp Genetics (formerly Invitae), Labcorp).